The following is an entry in ClinVar:

NM_001849.4(COL6A2):c.1649G>A (p.Arg550Lys)

Gene: COL6A2 (collagen type VI alpha 2 chain; plus strand). Cytogenetic location: 21q22.3.
Variant type: single nucleotide variant.
Coding change: c.1649G>A on transcript NM_001849.4 (MANE Select); coding-DNA position 1649, G replaced by A.
Protein change: p.Arg550Lys; replaces arginine 550 with lysine.
Molecular consequence: missense variant.
Genome position (GRCh38, 1-based): chr21:46,122,915, G>A. VCF-style: chr21-46122915-G-A. GRCh37 (hg19) VCF-style: chr21-47542829-G-A.
Other names: c.1649G>A (NM_001849.3); c.1649G>A, p.Arg550Lys (NM_058174.3, NM_058175.3); short protein forms R550K.
Identifiers: ClinVar variation 598066 (VCV000598066.9), dbSNP rs373609986, ClinGen allele CA10072071.
Genomic context (GRCh38, chr21:46,122,915, plus strand): 5'-ACATGTGTTCCCTGTCACAGGGAGGCCGAGGCGACTTTGGCTTGAAAGGAGAACCTGGGA[G>A]GAAAGGAGAGAAAGGAGAGCCTGTGAGTGTCACCGTCCCGAAGCCCACAGCAGCTGGGCA-3'
Protein context (NP_001840.3, residues 540-560): GDFGLKGEPG[Arg550Lys]KGEKGEPADP

ClinVar aggregate classification (germline): Uncertain significance. Review status: criteria provided, multiple submitters, no conflicts (2 of 4 stars). 3 submissions from 3 submitters: Uncertain significance (3). Last evaluated 2025-12-31.

Conditions:
Bethlem myopathy 1A. Also called: Bethlem Muscular Dystrophy; Bethlem myopathy 1; MYOPATHY, BENIGN CONGENITAL, WITH CONTRACTURES. Identifiers: Orphanet 610, MedGen CN029274, MONDO:0024530, OMIM 158810.

Allele frequency attached by ClinVar (database versions not stated): gnomAD exomes below 0.00001; ExAC 0.00001; ESP Exome Variant Server 0.00008.
gnomAD v4.1: 2 of 1,613,316 alleles (0.00012%); highest among the groups gnomAD compares: Non-Finnish European, 0.00017%; no homozygotes.

Submissions (3):

Labcorp Genetics (formerly Invitae), Labcorp
Classification: Uncertain significance for Bethlem myopathy 1A. Last evaluated: 2025-12-31. Review status: criteria provided, single submitter. Criteria: Invitae Variant Classification Sherloc (09022015). Collection method: clinical testing. Allele origin: germline.
Comment: This sequence change replaces arginine, which is basic and polar, with lysine, which is basic and polar, at codon 550 of the COL6A2 protein (p.Arg550Lys). This variant is present in population databases (rs373609986, gnomAD 0.0009%). This variant has not been reported in the literature in individuals affected with COL6A2-related conditions. ClinVar contains an entry for this variant (Variation ID: 598066). Invitae Evidence Modeling of protein sequence and biophysical properties (such as structural, functional, and spatial information, amino acid conservation, physicochemical variation, residue mobility, and thermodynamic stability) indicates that this missense variant is not expected to disrupt COL6A2 protein function with a negative predictive value of 80%. In summary, the available evidence is currently insufficient to determine the role of this variant in disease. Therefore, it has been classified as a Variant of Uncertain Significance.

Revvity Omics, Revvity
Classification: Uncertain significance. Last evaluated: 2019-06-17. Review status: criteria provided, single submitter. Criteria: ACMG Guidelines, 2015. Collection method: clinical testing. Allele origin: germline.

Eurofins Ntd Llc (ga)
Classification: Uncertain significance. Last evaluated: 2018-07-19. Review status: criteria provided, single submitter. Criteria: EGL ClinVar v180209 classification definitions. Collection method: clinical testing. Allele origin: germline. Observed: 1 variant allele, 1 heterozygote.